The following is an entry in ClinVar:

NM_005188.4(CBL):c.12C>T (p.Asn4=)

Genes: CBL (Cbl proto-oncogene; plus strand), LOC130006895 (ATAC-STARR-seq lymphoblastoid silent region 3975; plus strand). Cytogenetic location: 11q23.3.
Variant type: single nucleotide variant.
Coding change: c.12C>T on transcript NM_005188.4 (MANE Select); coding-DNA position 12, C replaced by T.
Protein change: p.Asn4=; no amino-acid change (asparagine 4 retained).
Molecular consequence: synonymous variant.
Genome position (GRCh38, 1-based): chr11:119,206,429, C>T. VCF-style: chr11-119206429-C-T. GRCh37 (hg19) VCF-style: chr11-119077139-C-T.
Other names: p.Asn4Asn.
Identifiers: ClinVar variation 179790 (VCV000179790.23), dbSNP rs371567712, ClinGen allele CA185138.

ClinVar aggregate classification (germline): Benign/Likely benign. Review status: criteria provided, multiple submitters, no conflicts (2 of 4 stars). 8 submissions from 8 submitters: Benign (1); Likely benign (7). Last evaluated 2026-01-27.

Conditions:
Cardiovascular phenotype. Identifiers: MedGen CN230736.
RASopathy. Also called: Noonan spectrum disorder; rasopathies. Identifiers: Orphanet 536391, MedGen C5555857, MONDO:0021060.
Juvenile myelomonocytic leukemia (JMML). Also called: LEUKEMIA, JUVENILE MYELOMONOCYTIC, SOMATIC. Identifiers: Orphanet 86834, MedGen C0349639, MONDO:0011908, OMIM 607785, HP:0012209.

Allele frequency attached by ClinVar (database versions not stated): gnomAD exomes 0.00004 and 0.00008; ESP Exome Variant Server 0.00017; ExAC 0.00026; 1000 Genomes Project 30x 0.00031; TOPMed 0.00033; gnomAD 0.00036.
gnomAD v4.1: 120 of 1,568,858 alleles (0.0076%); highest among the groups gnomAD compares: African/African-American, 0.13%; 1 homozygote.

Submissions (8):

Labcorp Genetics (formerly Invitae), Labcorp
Classification: Likely benign for RASopathy. Last evaluated: 2026-01-27. Review status: criteria provided, single submitter. Criteria: Invitae Variant Classification Sherloc (09022015). Collection method: clinical testing. Allele origin: germline.

Women's Health and Genetics/Laboratory Corporation of America, LabCorp
Classification: Likely benign. Last evaluated: 2025-02-09. Review status: criteria provided, single submitter. Criteria: LabCorp Variant Classification Summary - May 2015. Collection method: clinical testing. Allele origin: germline.

Blueprint Genetics
Classification: Likely benign. Last evaluated: 2024-08-28. Review status: criteria provided, single submitter. Criteria: ACMG Guidelines, 2015. Collection method: clinical testing. Allele origin: germline.

KCCC/NGS Laboratory, Kuwait Cancer Control Center
Classification: Likely benign for Juvenile myelomonocytic leukemia. Last evaluated: 2023-07-07. Review status: criteria provided, single submitter. Criteria: ACMG Guidelines, 2015. Collection method: clinical testing. Allele origin: germline. Affected: yes.

Ambry Genetics
Classification: Likely benign for Cardiovascular phenotype. Last evaluated: 2022-04-19. Review status: criteria provided, single submitter. Criteria: Ambry Variant Classification Scheme 2023. Collection method: clinical testing. Allele origin: germline.

Genetic Services Laboratory, University of Chicago
Classification: Likely benign. Last evaluated: 2021-12-01. Review status: criteria provided, single submitter. Criteria: ACMG Guidelines, 2015. Collection method: clinical testing. Allele origin: germline. Affected: no.

GeneDx
Classification: Benign. Last evaluated: 2017-07-03. Review status: criteria provided, single submitter. Criteria: GeneDx Variant Classification (06012015). Collection method: clinical testing. Allele origin: germline. Affected: yes.
Comment: This variant is considered likely benign or benign based on one or more of the following criteria: it is a conservative change, it occurs at a poorly conserved position in the protein, it is predicted to be benign by multiple in silico algorithms, and/or has population frequency not consistent with disease.

Laboratory for Molecular Medicine, Mass General Brigham Personalized Medicine
Classification: Likely benign. Last evaluated: 2015-04-07. Review status: criteria provided, single submitter. Criteria: LMM Criteria. Collection method: clinical testing. Allele origin: germline. Observed: 2 variant alleles.
Comment: p.Asn4Asn in exon 1 of CBL: This variant is not expected to have clinical signif icance because it does not alter an amino acid residue and is not located within the splice consensus sequence. It has been identified in 0.2% (5/2050) of Afric an chromosomes by the Exome Aggregation Consortium (ExAC; dbSNP rs371567712).